The following is an entry in ClinVar:

ClinVar aggregate classification (germline): Uncertain significance (1 of 4 stars; one submission).

gnomAD v4.1: 1 of 1,613,408 alleles (0.000062%); no homozygotes.

Submission:

Labcorp Genetics (formerly Invitae), Labcorp
Classification: Uncertain significance. Last evaluated: 2021-12-23. Review status: criteria provided, single submitter. Criteria: Invitae Variant Classification Sherloc (09022015). Collection method: clinical testing. Allele origin: germline.
Comment: In summary, the available evidence is currently insufficient to determine the role of this variant in disease. Therefore, it has been classified as a Variant of Uncertain Significance. Algorithms developed to predict the effect of missense changes on protein structure and function are either unavailable or do not agree on the potential impact of this missense change (SIFT: "Not Available"; PolyPhen-2: "Possibly Damaging"; Align-GVGD: "Not Available"). This variant has not been reported in the literature in individuals affected with MYO18B-related conditions. This variant is not present in population databases (gnomAD no frequency). This sequence change replaces isoleucine, which is neutral and non-polar, with threonine, which is neutral and polar, at codon 1399 of the MYO18B protein (p.Ile1399Thr).

NM_032608.7(MYO18B):c.4196T>C (p.Ile1399Thr)

Gene: MYO18B (myosin XVIIIB; plus strand). Cytogenetic location: 22q12.1.
Variant type: single nucleotide variant.
Coding change: c.4196T>C on transcript NM_032608.7 (MANE Select); coding-DNA position 4196, T replaced by C.
Protein change: p.Ile1399Thr; replaces isoleucine 1399 with threonine.
Molecular consequence: missense variant.
Genome position (GRCh38, 1-based): chr22:25,876,304, T>C. VCF-style: chr22-25876304-T-C. GRCh37 (hg19) VCF-style: chr22-26272271-T-C.
Other names: c.4199T>C, p.Ile1400Thr (NM_001318245.2); short protein forms I1399T, I1400T.
Identifiers: ClinVar variation 1413655 (VCV001413655.4), dbSNP rs2146197421, ClinGen allele CA411007540.